The following is an entry in ClinVar:

NM_001122681.2(SH3BP2):c.895G>A (p.Glu299Lys)

Gene: SH3BP2 (SH3 domain binding protein 2; plus strand). Cytogenetic location: 4p16.3.
Variant type: single nucleotide variant.
Coding change: c.895G>A on transcript NM_001122681.2 (MANE Select); coding-DNA position 895, G replaced by A.
Protein change: p.Glu299Lys; replaces glutamic acid 299 with lysine.
Molecular consequence: missense variant.
Genome position (GRCh38, 1-based): chr4:2,829,801, G>A. VCF-style: chr4-2829801-G-A. GRCh37 (hg19) VCF-style: chr4-2831528-G-A.
Other names: c.979G>A, p.Glu327Lys (NM_001145855.2); c.1066G>A, p.Glu356Lys (NM_001145856.2); c.895G>A, p.Glu299Lys (NM_003023.4); short protein forms E327K, E299K, E356K.
Identifiers: ClinVar variation 4718801 (VCV004718801.1).

ClinVar aggregate classification (germline): Uncertain significance (1 of 4 stars; one submission).

Conditions:
Fibrous dysplasia of jaw (CRBM). Also called: Cherubism. Identifiers: Orphanet 184, MedGen C0008029, MONDO:0007315, OMIM 118400.

gnomAD v4.1: 1 of 1,613,230 alleles (0.000062%); highest among the groups gnomAD compares: African/African-American, 0.0013%; no homozygotes.

Submission:

Labcorp Genetics (formerly Invitae), Labcorp
Classification: Uncertain significance for Fibrous dysplasia of jaw. Last evaluated: 2025-09-09. Review status: criteria provided, single submitter. Criteria: Invitae Variant Classification Sherloc (09022015). Collection method: clinical testing. Allele origin: germline.
Comment: This sequence change replaces glutamic acid, which is acidic and polar, with lysine, which is basic and polar, at codon 299 of the SH3BP2 protein (p.Glu299Lys). This variant is not present in population databases (gnomAD no frequency). This variant has not been reported in the literature in individuals affected with SH3BP2-related conditions. Invitae Evidence Modeling of protein sequence and biophysical properties (such as structural, functional, and spatial information, amino acid conservation, physicochemical variation, residue mobility, and thermodynamic stability) has been performed for this missense variant. However, the output from this modeling did not meet the statistical confidence thresholds required to predict the impact of this variant on SH3BP2 protein function. In summary, the available evidence is currently insufficient to determine the role of this variant in disease. Therefore, it has been classified as a Variant of Uncertain Significance.